The following is an entry in ClinVar:

NM_001035.3(RYR2):c.1240C>T (p.Arg414Cys)

Gene: RYR2 (ryanodine receptor 2; plus strand). Cytogenetic location: 1q43.
Variant type: single nucleotide variant.
Coding change: c.1240C>T on transcript NM_001035.3 (MANE Select); coding-DNA position 1240, C replaced by T.
Protein change: p.Arg414Cys; replaces arginine 414 with cysteine.
Molecular consequence: missense variant.
Genome position (GRCh38, 1-based): chr1:237,445,470, C>T. VCF-style: chr1-237445470-C-T. GRCh37 (hg19) VCF-style: chr1-237608770-C-T.
Other names: p.R414C:CGC>TGC; c.1240C>T, p.Arg414Cys (LRG_402t1); short protein forms R414C.
Identifiers: ClinVar variation 201212 (VCV000201212.63), dbSNP rs764698152, ClinGen allele CA007513.

ClinVar aggregate classification (germline): Conflicting classifications of pathogenicity. Review status: criteria provided, conflicting classifications (1 of 4 stars). 10 submissions from 10 submitters: Pathogenic (2); Likely pathogenic (3); Uncertain significance (3). 2 of the submissions do not count toward it. Last evaluated 2025-12-23.

Conditions:
RYR2-related disorder. Also called: RYR2-related condition.
Cardiovascular phenotype. Identifiers: MedGen CN230736.
Catecholaminergic polymorphic ventricular tachycardia (CVPT). Also called: Catecholamine-induced polymorphic ventricular tachycardia. Identifiers: Orphanet 3286, MedGen C5574922, MONDO:0017990.
Cardiomyopathy (CMYO). Also called: Cardiomyopathies. Identifiers: Orphanet 167848, MedGen C0878544, MONDO:0004994, HP:0001638. Inheritance: Various modes of inheritance.
Catecholaminergic polymorphic ventricular tachycardia 1. Also called: RYR2-Related Catecholaminergic Polymorphic Ventricular Tachycardia; VENTRICULAR TACHYCARDIA, CATECHOLAMINERGIC POLYMORPHIC, 1, WITH OR WITHOUT ATRIAL DYSFUNCTION AND/OR DILATED CARDIOMYOPATHY; VENTRICULAR TACHYCARDIA, STRESS-INDUCED POLYMORPHIC 1. Identifiers: Orphanet 3286, MedGen C1631597, MONDO:0011484, OMIM 604772.

Allele frequency attached by ClinVar (database versions not stated): ExAC 0.00001; gnomAD 0.00001 and 0.00002; gnomAD exomes 0.00001; TOPMed 0.00002.
gnomAD v4.1: 16 of 1,613,726 alleles (0.00099%); highest among the groups gnomAD compares: Middle Eastern, 0.017%; no homozygotes.

Submissions (10):

Labcorp Genetics (formerly Invitae), Labcorp
Classification: Pathogenic for Catecholaminergic polymorphic ventricular tachycardia 1. Last evaluated: 2025-12-23. Review status: criteria provided, single submitter. Criteria: Invitae Variant Classification Sherloc (09022015). Collection method: clinical testing. Allele origin: germline.
Comment: This sequence change replaces arginine, which is basic and polar, with cysteine, which is neutral and slightly polar, at codon 414 of the RYR2 protein (p.Arg414Cys). This variant is not present in population databases (gnomAD no frequency). This missense change has been observed in individuals with clinical features of autosomal dominant RYR2-related conditions (PMID: 15887426, 21478052; internal data). ClinVar contains an entry for this variant (Variation ID: 201212). Invitae Evidence Modeling of protein sequence and biophysical properties (such as structural, functional, and spatial information, amino acid conservation, physicochemical variation, residue mobility, and thermodynamic stability) indicates that this missense variant is expected to disrupt RYR2 protein function with a positive predictive value of 95%. Experimental studies have shown that this missense change does not substantially affect RYR2 function (PMID: 23152493). This variant disrupts the p.Arg414 amino acid residue in RYR2. Other variant(s) that disrupt this residue have been observed in individuals with RYR2-related conditions (PMID: 15466642, 16188589), which suggests that this may be a clinically significant amino acid residue. For these reasons, this variant has been classified as Pathogenic.

Women's Health and Genetics/Laboratory Corporation of America, LabCorp
Classification: Likely pathogenic for Catecholaminergic polymorphic ventricular tachycardia 1. Last evaluated: 2025-04-29. Review status: criteria provided, single submitter. Criteria: LabCorp Variant Classification Summary - May 2015. Collection method: clinical testing. Allele origin: germline.
Comment: Variant summary: RYR2 c.1240C>T (p.Arg414Cys) results in a non-conservative amino acid change in the encoded protein sequence. Four of four in-silico tools predict a damaging effect of the variant on protein function. The variant was absent in 249004 control chromosomes (gnomAD). c.1240C>T has been observed in individuals affected with clinical features of RYR2-related disorders (Tester_2005, Creighton_J2006, Moray_2011, Medeiros-Domingo_2009, Internal data). These data indicate that the variant is likely to be associated with disease. Two publications reported this variant had no damaging effect of this variant (Loaiza_2013, Zhong_2021). The following publications have been ascertained in the context of this evaluation (PMID: 16436635, 24025405, 32899693, 19926015, 32152366, 15887426, 33825858, 21478052). ClinVar contains an entry for this variant (Variation ID: 201212). Based on the evidence outlined above, the variant was classified as likely pathogenic.

Color Diagnostics, LLC DBA Color Health
Classification: Uncertain significance for Cardiomyopathy. Last evaluated: 2025-02-11. Review status: criteria provided, single submitter. Criteria: ACMG Guidelines, 2015. Collection method: clinical testing. Allele origin: germline.
Comment: This missense variant replaces arginine with cysteine at codon 414 of the RYR2 protein. Computational prediction suggests that this variant may have deleterious impact on protein structure and function. A functional study has shown that this variant does not affect the calcium sensitivity of RYR2 channels (PMID: 23152493). This variant has been reported in two unrelated individuals affected with sudden cardiac death (PMID: 15887426, 21478052). This variant has also been reported in a healthy parent of one of the two probands, who had no history of cardiac arrhythmias (PMID: 21478052). This variant has not been identified in the general population by the Genome Aggregation Database (gnomAD). The available evidence is insufficient to determine the role of this variant in disease conclusively. Therefore, this variant is classified as a Variant of Uncertain Significance.

All of Us Research Program, National Institutes of Health
Classification: Uncertain significance for Catecholaminergic polymorphic ventricular tachycardia. Last evaluated: 2024-09-27. Review status: criteria provided, single submitter. Criteria: ACMG Guidelines, 2015. Collection method: clinical testing. Allele origin: germline. Inheritance: Autosomal dominant inheritance. Observed: 1 variant allele, 1 heterozygote.
Comment: This missense variant replaces arginine with cysteine at codon 414 of the RYR2 protein. Computational prediction suggests that this variant may have deleterious impact on protein structure and function (internally defined REVEL score threshold >= 0.7, PMID: 27666373). Splice site prediction tools suggest that this variant may not impact RNA splicing. An experimental study has shown that this variant does not affect the calcium sensitivity of RYR2 channels (PMID: 23152493). This variant has been reported in two unrelated individuals affected with sudden cardiac death (PMID: 15887426, 21478052). This variant has also been reported in a healthy parent of one of the two probands, who had no history of cardiac arrhythmias (PMID: 21478052). This variant has not been identified in the general population by the Genome Aggregation Database (gnomAD). The available evidence is insufficient to determine the role of this variant in disease conclusively. Therefore, this variant is classified as a Variant of Uncertain Significance.

This study involves interpretation of variants in research participants for the purpose of population health screening. Participant phenotype was not available at the time of variant classification. Additional details can be found in publication PMID: 35346344, PMCID: PMC8962531

Ambry Genetics
Classification: Likely pathogenic for Cardiovascular phenotype. Last evaluated: 2024-08-30. Review status: criteria provided, single submitter. Criteria: Ambry Variant Classification Scheme 2023. Collection method: clinical testing. Allele origin: germline.
Comment: The c.1240C>T (p.R414C) alteration is located in exon 14 (coding exon 14) of the RYR2 gene. This alteration results from a C to T substitution at nucleotide position 1240, causing the arginine (R) at amino acid position 414 to be replaced by a cysteine (C). This variant was not reported in population-based cohorts in the Genome Aggregation Database (gnomAD). This alteration has been reported in multiple individuals with sudden cardiac arrest after under exertion or emotion (Tester, 2005; Moray, 2011; Violano, 2022; Ambry internal data). This amino acid position is well conserved in available vertebrate species. Based on internal structural analysis, this alteration disrupts a hydrogen bond interaction within the N-terminal of the protein (Borko, 2014). This alteration is predicted to be deleterious by in silico analysis. Based on the available evidence, this alteration is classified as likely pathogenic.

Blueprint Genetics
Classification: Pathogenic for RYR2-related disorders. Last evaluated: 2023-06-16. Review status: criteria provided, single submitter. Criteria: ACMG Guidelines, 2015. Collection method: clinical testing. Allele origin: germline. Affected: yes. Observed: 4 variant alleles.

CeGaT Center for Human Genetics Tuebingen
Classification: Likely pathogenic. Last evaluated: 2021-03-01. Review status: criteria provided, single submitter. Criteria: CeGaT Center For Human Genetics Tuebingen Variant Classification Criteria Version 2. Collection method: clinical testing. Allele origin: germline. Affected: yes. Observed: 5 variant alleles.

GeneDx
Classification: Uncertain significance. Last evaluated: 2016-12-15. Review status: criteria provided, single submitter. Criteria: GeneDx Variant Classification (06012015). Collection method: clinical testing. Allele origin: germline. Affected: yes.
Comment: A variant of uncertain significance has been identified in the RYR2 gene. The R414C variant is not observed in large population cohorts (Lek et al., 2016; 1000 Genomes Consortium et al., 2015; Exome Variant Server). The R414C variant is a non-conservative amino acid substitution, which is likely to impact secondary protein structure as these residues differ in polarity, charge, size and/or other properties. The R414C variant is located in one of the three hot-spot regions of the RYR2 gene, where the majority of pathogenic missense variants occur (Medeiros-Domingo et al., 2009). In silico analysis predicts this variant is probably damaging to the protein structure/function. However, this substitution occurs at a position where amino acids with similar properties to arginine are tolerated across species. While another variant at this same residue (R414L) and variants in nearby residues (S406L, R407S, S413T, T415R, I419F) have been reported in HGMD in association with CPVT (Stenson et al., 2014), the pathogenicity of these variants has not been definitively determined. Finally, the R414C variant is classified as a variant of uncertain significance by another clinical laboratory in ClinVar (SCV000230388.1; Landrum et al., 2016).

Clinical Genetics, Academic Medical Center
Classification: Uncertain significance. Review status: no assertion criteria provided. Collection method: clinical testing. Allele origin: germline. Affected: yes. Study: VKGL Data-share Consensus. Not counted in ClinVar's aggregate classification.

Diagnostic Laboratory, Department of Genetics, University Medical Center Groningen
Classification: Uncertain significance. Review status: no assertion criteria provided. Collection method: clinical testing. Allele origin: germline. Affected: yes. Study: VKGL Data-share Consensus. Not counted in ClinVar's aggregate classification.

Literature cited by the submitters: PubMed 15887426 (cited by 5 submitters); PubMed 21478052 (cited by 5 submitters); PubMed 23152493 (cited by 3 submitters); PubMed 15466642 (cited by Labcorp Genetics (formerly Invitae), Labcorp); PubMed 16188589 (cited by Labcorp Genetics (formerly Invitae), Labcorp); PubMed 16436635 (cited by Women's Health and Genetics/Laboratory Corporation of America, LabCorp); PubMed 19926015 (cited by Women's Health and Genetics/Laboratory Corporation of America, LabCorp); PubMed 24025405 (cited by Women's Health and Genetics/Laboratory Corporation of America, LabCorp); PubMed 32899693 (cited by Women's Health and Genetics/Laboratory Corporation of America, LabCorp); PubMed 32152366 (cited by Women's Health and Genetics/Laboratory Corporation of America, LabCorp); PubMed 33825858 (cited by Women's Health and Genetics/Laboratory Corporation of America, LabCorp); PubMed 25372681 (cited by Ambry Genetics); PubMed 35663620 (cited by Ambry Genetics).